The following is an entry in ClinVar:

NM_173598.6(KSR2):c.2807G>A (p.Arg936His)

Gene: KSR2 (kinase suppressor of ras 2; minus strand). Cytogenetic location: 12q24.22.
Variant type: single nucleotide variant.
Coding change: c.2807G>A on transcript NM_173598.6 (MANE Select); coding-DNA position 2807, G replaced by A.
Protein change: p.Arg936His; replaces arginine 936 with histidine.
Molecular consequence: missense variant.
Genome position (GRCh38, 1-based): chr12:117,469,701, C>T on the plus strand (G>A on the coding strand, the complement: KSR2 is on the minus strand). VCF-style: chr12-117469701-C-T. GRCh37 (hg19) VCF-style: chr12-117907506-C-T.
Other names: short protein forms R936H.
Identifiers: ClinVar variation 3355354 (VCV003355354.1).
Genomic context (GRCh38, chr12:117,469,701, plus strand): 5'-ACATTAAGGGAGAAAACCTACTCTGCAGACTTCCAGAAATGTCCAGGGTGAGACAGGCGA[C>T]GGTTTCGCTTTGGCAGTTTCTCCAGCATGTCCATGAGCTTGGTGAAGGTAGGTCTCTCTT-3'
Protein context (NP_775869.4, residues 926-946): DMLEKLPKRN[Arg936His]RLSHPGHFWK

ClinVar aggregate classification (germline): Uncertain significance (0 of 4 stars; one submission).

Conditions:
KSR2-related disorder. Also called: KSR2-related condition.

gnomAD v4.1: 19 of 1,613,384 alleles (0.0012%); highest among the groups gnomAD compares: East Asian, 0.0022%; no homozygotes.

Submission:

PreventionGenetics, part of Exact Sciences
Classification: Uncertain significance for KSR2-related condition. Last evaluated: 2024-02-23. Review status: no assertion criteria provided. Collection method: clinical testing. Allele origin: germline.
Comment: The KSR2 c.2720G>A variant is predicted to result in the amino acid substitution p.Arg907His. This variant has been reported as a somatic variant in an individual with atypical Von Hippel‑Lindau syndrome (Tong et al. 2021. PubMed ID: 34923986). This variant is reported in 0.010% of alleles in individuals of Ashkenazi Jewish descent in gnomAD. At this time, the clinical significance of this variant is uncertain due to the absence of conclusive functional and genetic evidence.